The following is an entry in ClinVar:

ClinVar aggregate classification (germline): Likely pathogenic (1 of 4 stars; one submission).

Conditions:
Ehlers-Danlos syndrome, kyphoscoliotic type 1 (EDSKSCL1). Also called: EHLERS-DANLOS SYNDROME, TYPE VIA; Ehlers-Danlos syndrome, hydroxylysine-deficient; EHLERS-DANLOS SYNDROME, OCULAR-SCOLIOTIC TYPE; PLOD1-Related Kyphoscoliotic Ehlers-Danlos Syndrome. Identifiers: Orphanet 1900, MedGen C0268342, MONDO:0016002, OMIM 225400. Disease mechanism: loss of function.

Submission:

Labcorp Genetics (formerly Invitae), Labcorp
Classification: Likely pathogenic for Ehlers-Danlos syndrome, kyphoscoliotic type 1. Last evaluated: 2022-12-21. Review status: criteria provided, single submitter. Criteria: Invitae Variant Classification Sherloc (09022015). Collection method: clinical testing. Allele origin: germline.
Comment: In summary, the currently available evidence indicates that the variant is pathogenic, but additional data are needed to prove that conclusively. Therefore, this variant has been classified as Likely Pathogenic. Algorithms developed to predict the effect of sequence changes on RNA splicing suggest that this variant may disrupt the consensus splice site. This variant has not been reported in the literature in individuals affected with PLOD1-related conditions. This variant is not present in population databases (gnomAD no frequency). This sequence change affects an acceptor splice site in intron 17 of the PLOD1 gene. It is expected to disrupt RNA splicing. Variants that disrupt the donor or acceptor splice site typically lead to a loss of protein function (PMID: 16199547), and loss-of-function variants in PLOD1 are known to be pathogenic (PMID: 10874315, 21699693).

Literature cited by the submitters: PubMed 16199547; PubMed 10874315; PubMed 21699693.

NM_000302.4(PLOD1):c.1903-2A>T

Gene: PLOD1 (procollagen-lysine,2-oxoglutarate 5-dioxygenase 1; plus strand). Cytogenetic location: 1p36.22.
Variant type: single nucleotide variant.
Coding change: c.1903-2A>T on transcript NM_000302.4 (MANE Select); the canonical splice acceptor site of the intron before coding-DNA position 1903, A replaced by T.
Molecular consequence: splice acceptor variant.
Genome position (GRCh38, 1-based): chr1:11,972,870, A>T. VCF-style: chr1-11972870-A-T. GRCh37 (hg19) VCF-style: chr1-12032927-A-T.
Other names: c.2044-2A>T (NM_001316320.2).
Identifiers: ClinVar variation 2822840 (VCV002822840.3), dbSNP rs1553137486, ClinGen allele CA338452159.